The following is an entry in ClinVar:

ClinVar aggregate classification (germline): Likely pathogenic (1 of 4 stars; one submission).

Submission:

Labcorp Genetics (formerly Invitae), Labcorp
Classification: Likely pathogenic. Last evaluated: 2023-03-23. Review status: criteria provided, single submitter. Criteria: Invitae Variant Classification Sherloc (09022015). Collection method: clinical testing. Allele origin: germline.
Comment: This sequence change affects a donor splice site in intron 1 of the HSD17B3 gene. It is expected to disrupt RNA splicing. Variants that disrupt the donor or acceptor splice site typically lead to a loss of protein function (PMID: 16199547), and loss-of-function variants in HSD17B3 are known to be pathogenic (PMID: 23796702, 25740850). This variant is not present in population databases (gnomAD no frequency). This variant has not been reported in the literature in individuals affected with HSD17B3-related conditions. Algorithms developed to predict the effect of sequence changes on RNA splicing suggest that this variant may disrupt the consensus splice site. In summary, the currently available evidence indicates that the variant is pathogenic, but additional data are needed to prove that conclusively. Therefore, this variant has been classified as Likely Pathogenic.

Literature cited by the submitters: PubMed 16199547; PubMed 23796702; PubMed 25740850.

NM_000197.2(HSD17B3):c.154+1G>A

Genes: HSD17B3 (hydroxysteroid 17-beta dehydrogenase 3; minus strand), SLC35D2-HSD17B3 (SLC35D2-HSD17B3 readthrough; minus strand). Cytogenetic location: 9q22.32.
Variant type: single nucleotide variant.
Coding change: c.154+1G>A on transcript NM_000197.2 (MANE Select); the canonical splice donor site of the intron after coding-DNA position 154, G replaced by A.
Molecular consequence: splice donor variant.
Genome position (GRCh38, 1-based): chr9:96,301,950, C>T on the plus strand (G>A on the coding strand, the complement: HSD17B3 is on the minus strand). VCF-style: chr9-96301950-C-T. GRCh37 (hg19) VCF-style: chr9-99064232-C-T.
Identifiers: ClinVar variation 2848816 (VCV002848816.3), dbSNP rs1827630265, ClinGen allele CA374126451.